The following is an entry in ClinVar:

ClinVar aggregate classification (germline): Conflicting classifications of pathogenicity. Review status: criteria provided, conflicting classifications (1 of 4 stars). 2 submissions from 2 submitters: Likely pathogenic (1); Uncertain significance (1). Last evaluated 2021-11-19.

Conditions:
Craniofrontonasal syndrome (CFNS). Also called: CRANIOFRONTONASAL DYSOSTOSIS. Identifiers: Orphanet 1520, MedGen C0220767, MONDO:0010570, OMIM 304110.

Submissions (2):

Labcorp Genetics (formerly Invitae), Labcorp
Classification: Uncertain significance. Last evaluated: 2021-11-19. Review status: criteria provided, single submitter. Criteria: Invitae Variant Classification Sherloc (09022015). Collection method: clinical testing. Allele origin: germline.
Comment: Algorithms developed to predict the effect of missense changes on protein structure and function are either unavailable or do not agree on the potential impact of this missense change (SIFT: "Tolerated"; PolyPhen-2: "Probably Damaging"; Align-GVGD: "Class C0"). In summary, the available evidence is currently insufficient to determine the role of this variant in disease. Therefore, it has been classified as a Variant of Uncertain Significance. This variant disrupts the p.Gln115 amino acid residue in EFNB1. Other variant(s) that disrupt this residue have been determined to be pathogenic (PMID: 15166289). This suggests that this residue is clinically significant, and that variants that disrupt this residue are likely to be disease-causing. This variant has not been reported in the literature in individuals affected with EFNB1-related conditions. This variant is not present in population databases (gnomAD no frequency). This sequence change replaces glutamine, which is neutral and polar, with arginine, which is basic and polar, at codon 115 of the EFNB1 protein (p.Gln115Arg).

Victorian Clinical Genetics Services, Murdoch Childrens Research Institute
Classification: Likely pathogenic for Craniofrontonasal syndrome. Last evaluated: 2019-08-28. Review status: criteria provided, single submitter. Criteria: ACMG Guidelines, 2015. Collection method: clinical testing. Allele origin: germline. Inheritance: X-linked dominant inheritance. Affected: yes.
Comment: A heterozygous missense variant was identified, NM_004429.4(EFNB1):c.344A>G in exon 2 of 5 of the EFNB1 gene. This substitution is predicted to create a minor amino acid change from glutamine to arginine at position 115 of the protein, NP_004420.1(EFNB1):p.(Gln115Arg). The glutamine at this position has very high conservation (100 vertebrates, UCSC), and is located within the Ephrin-B_Ectodomain functional domain. In silico software predicts this variant to be pathogenic (PolyPhen, SIFT, CADD, MutationTaster). The variant is not present in the gnomAD population database. It has not been previously reported in clinical cases, however, a different variant in the same codon resulting in a change to proline has previously been shown to cause Craniofrontonasal syndrome (Twigg, S. et al. (2004)). Based on information available at the time of curation, this variant has been classified as LIKELY PATHOGENIC.

Literature cited by the submitters: PubMed 15166289 (cited by Labcorp Genetics (formerly Invitae), Labcorp).

NM_004429.5(EFNB1):c.344A>G (p.Gln115Arg)

Gene: EFNB1 (ephrin B1; plus strand). Cytogenetic location: Xq13.1.
Variant type: single nucleotide variant.
Coding change: c.344A>G on transcript NM_004429.5 (MANE Select); coding-DNA position 344, A replaced by G.
Protein change: p.Gln115Arg; replaces glutamine 115 with arginine.
Molecular consequence: missense variant.
Genome position (GRCh38, 1-based): chrX:68,838,832, A>G. VCF-style: chrX-68838832-A-G. GRCh37 (hg19) VCF-style: chrX-68058675-A-G.
Other names: short protein forms Q115R.
Identifiers: ClinVar variation 1494849 (VCV001494849.7), dbSNP rs2147976542, ClinGen allele CA413437727.